The following is an entry in ClinVar:

ClinVar aggregate classification (germline): Uncertain significance (1 of 4 stars; one submission).

Submission:

Dasa
Classification: Uncertain significance. Last evaluated: 2026-01-15. Review status: criteria provided, single submitter. Criteria: DASA Assertion Criteria. Collection method: clinical testing. Allele origin: germline.
Comment: NM_001256012.3(MYH10):c.833del (p.Lys278Serfs*28) is a frameshift variant in MYH10 predicted to alter the reading frame and introduce a premature termination codon. This variant is rare in population databases. The currently available literature and clinical evidence are not sufficient to establish a definitive association between this variant and the reported condition. Therefore, this variant is classified as a variant of uncertain significance.

NM_001256012.3(MYH10):c.833del (p.Lys278fs)

Gene: MYH10 (myosin heavy chain 10; minus strand). Cytogenetic location: 17p13.1.
Variant type: Deletion.
Coding change: c.833del on transcript NM_001256012.3 (MANE Select); coding-DNA position 833, one base deleted (A; older notation c.833delA).
Protein change: p.Lys278fs; shifts the reading frame from lysine 278.
Molecular consequence: frameshift variant.
Genome position (GRCh38, 1-based): chr17:8,552,132, T deleted on the plus strand (A on the coding strand, the reverse complement: MYH10 is on the minus strand); the first of 4 consecutive T bases (chr17:8,552,132-8,552,135); deleting any one gives the same sequence. VCF-style (leftmost placement, unchanged base first): chr17-8552131-CT-C. GRCh37 (hg19) VCF-style: chr17-8455449-CT-C.
Other names: c.830del, p.Lys277fs (NM_001256095.2); c.833del, p.Lys278fs (NM_001375266.1); c.803del, p.Lys268fs (NM_005964.5); short protein forms K268fs, K277fs, K278fs.
Identifiers: ClinVar variation 4883936 (VCV004883936.2).